The following is an entry in ClinVar:

NM_020207.7(ERCC6L2):c.3602A>T (p.Gln1201Leu)

Gene: ERCC6L2 (ERCC excision repair 6 like 2; plus strand). Cytogenetic location: 9q22.32.
Variant type: single nucleotide variant.
Coding change: c.3602A>T on transcript NM_020207.7 (MANE Select); coding-DNA position 3602, A replaced by T.
Protein change: p.Gln1201Leu; replaces glutamine 1201 with leucine.
Molecular consequence: missense variant. On other transcripts: non-coding transcript variant (1).
Genome position (GRCh38, 1-based): chr9:96,004,629, A>T. VCF-style: chr9-96004629-A-T. GRCh37 (hg19) VCF-style: chr9-98766911-A-T.
Other names: c.3602A>T, p.Gln1201Leu (NM_001375291.1, NM_001375292.1); short protein forms Q1201L.
Identifiers: ClinVar variation 1420856 (VCV001420856.5), dbSNP rs113394934, ClinGen allele CA196586870.

ClinVar aggregate classification (germline): Uncertain significance (1 of 4 stars; one submission).

Allele frequency attached by ClinVar (database versions not stated): gnomAD exomes below 0.00001.
gnomAD v4.1: 6 of 1,328,068 alleles (0.00045%); highest among the groups gnomAD compares: African/African-American, 0.0075%; no homozygotes.

Submission:

Labcorp Genetics (formerly Invitae), Labcorp
Classification: Uncertain significance. Last evaluated: 2024-10-19. Review status: criteria provided, single submitter. Criteria: Invitae Variant Classification Sherloc (09022015). Collection method: clinical testing. Allele origin: germline.
Comment: This sequence change replaces glutamine, which is neutral and polar, with leucine, which is neutral and non-polar, at codon 1212 of the ERCC6L2 protein (p.Gln1212Leu). This variant is not present in population databases (gnomAD no frequency). This variant has not been reported in the literature in individuals affected with ERCC6L2-related conditions. ClinVar contains an entry for this variant (Variation ID: 1420856). Experimental studies and prediction algorithms are not available or were not evaluated, and the functional significance of this variant is currently unknown. In summary, the available evidence is currently insufficient to determine the role of this variant in disease. Therefore, it has been classified as a Variant of Uncertain Significance.